The following is an entry in ClinVar:

NM_152594.3(SPRED1):c.547G>A (p.Ala183Thr)

Gene: SPRED1 (sprouty related EVH1 domain containing 1; plus strand). Cytogenetic location: 15q14.
Variant type: single nucleotide variant.
Coding change: c.547G>A on transcript NM_152594.3 (MANE Select); coding-DNA position 547, G replaced by A.
Protein change: p.Ala183Thr; replaces alanine 183 with threonine.
Molecular consequence: missense variant.
Genome position (GRCh38, 1-based): chr15:38,339,860, G>A. VCF-style: chr15-38339860-G-A. GRCh37 (hg19) VCF-style: chr15-38632061-G-A.
Other names: short protein forms A183T.
Identifiers: ClinVar variation 2587852 (VCV002587852.5), dbSNP rs1895995583, ClinGen allele CA391932671.
Genomic context (GRCh38, chr15:38,339,860, plus strand): 5'-GTTACCAGTGAGCCTTATAGAAGCTCAAATATAAGACCTTCTCCCTTTGAAGATCTGAAT[G>A]CCAGAAGAGTCTACATGCAAAGCCAAGCCAATCAGGTAAGAAGATAAAATATTTTTTCGG-3'
Protein context (NP_689807.1, residues 173-193): IRPSPFEDLN[Ala183Thr]RRVYMQSQAN

ClinVar aggregate classification (germline): Uncertain significance. Review status: criteria provided, multiple submitters, no conflicts (2 of 4 stars). 2 submissions from 2 submitters: Uncertain significance (2). Last evaluated 2023-07-16.

Conditions:
Cardiovascular phenotype. Identifiers: MedGen CN230736.
Legius syndrome. Identifiers: Orphanet 137605, MedGen C1969623, MONDO:0012669, OMIM 611431. Disease mechanism: loss of function.

gnomAD v4.1: 1 of 1,613,920 alleles (0.000062%); highest among the groups gnomAD compares: Non-Finnish European, 0.000085%; no homozygotes.

Submissions (2):

Ambry Genetics
Classification: Uncertain significance for Cardiovascular phenotype. Last evaluated: 2023-07-16. Review status: criteria provided, single submitter. Criteria: Ambry Variant Classification Scheme 2023. Collection method: clinical testing. Allele origin: germline.
Comment: The p.A183T variant (also known as c.547G>A), located in coding exon 5 of the SPRED1 gene, results from a G to A substitution at nucleotide position 547. The alanine at codon 183 is replaced by threonine, an amino acid with similar properties. This amino acid position is conserved. In addition, this alteration is predicted to be tolerated by in silico analysis. Since supporting evidence is limited at this time, the clinical significance of this alteration remains unclear.

Labcorp Genetics (formerly Invitae), Labcorp
Classification: Uncertain significance for Legius syndrome. Last evaluated: 2022-11-28. Review status: criteria provided, single submitter. Criteria: Invitae Variant Classification Sherloc (09022015). Collection method: clinical testing. Allele origin: germline.
Comment: This variant has not been reported in the literature in individuals affected with SPRED1-related conditions. Advanced modeling of protein sequence and biophysical properties (such as structural, functional, and spatial information, amino acid conservation, physicochemical variation, residue mobility, and thermodynamic stability) performed at Invitae indicates that this missense variant is not expected to disrupt SPRED1 protein function. In summary, the available evidence is currently insufficient to determine the role of this variant in disease. Therefore, it has been classified as a Variant of Uncertain Significance. This sequence change replaces alanine, which is neutral and non-polar, with threonine, which is neutral and polar, at codon 183 of the SPRED1 protein (p.Ala183Thr). This variant is not present in population databases (gnomAD no frequency).